The following is an entry in ClinVar:

NM_001447.3(FAT2):c.10541T>C (p.Leu3514Ser)

Genes: FAT2 (FAT atypical cadherin 2; minus strand), SLC36A1 (solute carrier family 36 member 1; plus strand), LOC132089193 (Neanderthal introgressed variant-containing enhancer experimental_82555; plus strand). Cytogenetic location: 5q33.1.
Variant type: single nucleotide variant.
Coding change: c.10541T>C on transcript NM_001447.3 (MANE Select); coding-DNA position 10541, T replaced by C.
Protein change: p.Leu3514Ser; replaces leucine 3514 with serine.
Molecular consequence: missense variant.
Genome position (GRCh38, 1-based): chr5:151,522,052, A>G on the plus strand (T>C on the coding strand, the complement: FAT2 is on the minus strand). VCF-style: chr5-151522052-A-G. GRCh37 (hg19) VCF-style: chr5-150901613-A-G.
Other names: short protein forms L3514S.
Identifiers: ClinVar variation 1232448 (VCV001232448.11), dbSNP rs2053028, ClinGen allele CA3520213.

ClinVar aggregate classification (germline): Benign. Review status: criteria provided, multiple submitters, no conflicts (2 of 4 stars). 4 submissions from 4 submitters: Benign (3). 1 of the submissions does not count toward it. Last evaluated 2026-02-03.

Conditions:
Spinocerebellar ataxia 45. Identifiers: Orphanet 589527, MedGen C4540400, MONDO:0033480, OMIM 617769.
FAT2-related disorder. Also called: FAT2-related condition.

Allele frequency attached by ClinVar (database versions not stated): gnomAD exomes 0.73761 and 0.76928; ExAC 0.76599; 1000 Genomes Project 30x 0.76905; ESP Exome Variant Server 0.68999; gnomAD 0.71072 and 0.71812; TOPMed 0.72053; 1000 Genomes Project 0.77576.
gnomAD v4.1: 1,177,886 of 1,599,826 alleles (74%); highest among the groups gnomAD compares: East Asian, 95%; 436,665 homozygotes.

Submissions (4):

Labcorp Genetics (formerly Invitae), Labcorp
Classification: Benign. Last evaluated: 2026-02-03. Review status: criteria provided, single submitter. Criteria: Invitae Variant Classification Sherloc (09022015). Collection method: clinical testing. Allele origin: germline.

Genome-Nilou Lab
Classification: Benign for Spinocerebellar ataxia 45. Last evaluated: 2021-08-10. Review status: criteria provided, single submitter. Criteria: ACMG Guidelines, 2015. Collection method: clinical testing. Allele origin: germline. Affected: no.

GeneDx
Classification: Benign. Last evaluated: 2021-05-04. Review status: criteria provided, single submitter. Criteria: GeneDx Variant Classification Process June 2021. Collection method: clinical testing. Allele origin: germline. Affected: yes.

PreventionGenetics, part of Exact Sciences
Classification: Benign for FAT2-related condition. Last evaluated: 2019-07-08. Review status: no assertion criteria provided. Collection method: clinical testing. Allele origin: germline. Not counted in ClinVar's aggregate classification.
Comment: This variant is classified as benign based on ACMG/AMP sequence variant interpretation guidelines (Richards et al. 2015 PMID: 25741868, with internal and published modifications).